The following is an entry in ClinVar:

NM_014629.4(ARHGEF10):c.3992C>T (p.Ala1331Val)

Gene: ARHGEF10 (Rho guanine nucleotide exchange factor 10; plus strand). Cytogenetic location: 8p23.3.
Variant type: single nucleotide variant.
Coding change: c.3992C>T on transcript NM_014629.4 (MANE Select); coding-DNA position 3992, C replaced by T.
Protein change: p.Ala1331Val; replaces alanine 1331 with valine.
Molecular consequence: missense variant.
Genome position (GRCh38, 1-based): chr8:1,957,220, C>T. VCF-style: chr8-1957220-C-T. GRCh37 (hg19) VCF-style: chr8-1905386-C-T.
Other names: c.3878C>T, p.Ala1293Val (NM_001308152.2); c.3992C>T, p.Ala1331Val (NM_001308153.3); c.3995C>T, p.Ala1332Val (NM_001438091.1); c.3875C>T, p.Ala1292Val (NM_001438092.1, NM_001438093.1); c.3755C>T, p.Ala1252Val (NM_001438094.1); short protein forms A1293V, A1331V, A1332V, A1252V, A1292V, A1355V.
Identifiers: ClinVar variation 4642532 (VCV004642532.2).

ClinVar aggregate classification (germline): Conflicting classifications of pathogenicity. Review status: criteria provided, conflicting classifications (1 of 4 stars). 2 submissions from 2 submitters: Uncertain significance (1); Likely benign (1). Last evaluated 2025-11-12.

gnomAD v4.1: 83 of 1,611,808 alleles (0.0051%); highest among the groups gnomAD compares: African/African-American, 0.076%; no homozygotes.

Submissions (2):

Ambry Genetics
Classification: Likely benign. Last evaluated: 2025-11-12. Review status: criteria provided, single submitter. Criteria: Ambry Variant Classification Scheme 2023. Collection method: clinical testing. Allele origin: germline.

Labcorp Genetics (formerly Invitae), Labcorp
Classification: Uncertain significance. Last evaluated: 2025-07-16. Review status: criteria provided, single submitter. Criteria: Invitae Variant Classification Sherloc (09022015). Collection method: clinical testing. Allele origin: germline.
Comment: This sequence change replaces alanine, which is neutral and non-polar, with valine, which is neutral and non-polar, at codon 1331 of the ARHGEF10 protein (p.Ala1331Val). This variant is present in population databases (rs142550609, gnomAD 0.08%), and has an allele count higher than expected for a pathogenic variant. This variant has not been reported in the literature in individuals affected with ARHGEF10-related conditions. Invitae Evidence Modeling of protein sequence and biophysical properties (such as structural, functional, and spatial information, amino acid conservation, physicochemical variation, residue mobility, and thermodynamic stability) indicates that this missense variant is not expected to disrupt ARHGEF10 protein function with a negative predictive value of 80%. In summary, the available evidence is currently insufficient to determine the role of this variant in disease. Therefore, it has been classified as a Variant of Uncertain Significance.